The following is an entry in ClinVar:

NM_001242896.3(DEPDC5):c.1389C>T (p.Asp463=)

Gene: DEPDC5 (DEP domain containing 5, GATOR1 subcomplex subunit; plus strand). Cytogenetic location: 22q12.3.
Variant type: single nucleotide variant.
Coding change: c.1389C>T on transcript NM_001242896.3 (MANE Select); coding-DNA position 1389, C replaced by T.
Protein change: p.Asp463=; no amino-acid change (aspartic acid 463 retained).
Molecular consequence: synonymous variant. On other transcripts: non-coding transcript variant (5).
Genome position (GRCh38, 1-based): chr22:31,810,585, C>T. VCF-style: chr22-31810585-C-T. GRCh37 (hg19) VCF-style: chr22-32206571-C-T.
Other names: c.1389C>T, p.Asp463= (NM_001007188.4, NM_001136029.4, NM_001242897.2 and 7 more transcripts); c.1305C>T, p.Asp435= (NM_001369901.1, NM_001369902.1).
Identifiers: ClinVar variation 414449 (VCV000414449.26), dbSNP rs188147862, ClinGen allele CA10196357.

ClinVar aggregate classification (germline): Benign/Likely benign. Review status: criteria provided, multiple submitters, no conflicts (2 of 4 stars). 7 submissions from 7 submitters: Benign (3); Likely benign (4). Last evaluated 2026-01-19.

Conditions:
Familial focal epilepsy with variable foci (FPEVF). Identifiers: Orphanet 98820, MedGen C1858477, MONDO:0020310.
Inborn genetic diseases. Identifiers: MedGen C0950123, MeSH D030342.
DEPDC5-related disorder. Also called: DEPDC5-related condition; DEPDC5-related related disorder.

Allele frequency attached by ClinVar (database versions not stated): gnomAD exomes 0.00009 and 0.00024; ExAC 0.00023; ESP Exome Variant Server 0.00025; gnomAD 0.00036 and 0.00039; TOPMed 0.00049; 1000 Genomes Project 0.00060; 1000 Genomes Project 30x 0.00062.
gnomAD v4.1: 286 of 1,614,184 alleles (0.018%); highest among the groups gnomAD compares: East Asian, 0.16%; 5 homozygotes.

Submissions (7):

Labcorp Genetics (formerly Invitae), Labcorp
Classification: Benign for Familial focal epilepsy with variable foci. Last evaluated: 2026-01-19. Review status: criteria provided, single submitter. Criteria: Invitae Variant Classification Sherloc (09022015). Collection method: clinical testing. Allele origin: germline.

CeGaT Center for Human Genetics Tuebingen
Classification: Likely benign. Last evaluated: 2025-10-01. Review status: criteria provided, single submitter. Criteria: CeGaT Center For Human Genetics Tuebingen Variant Classification Criteria Version 2. Collection method: clinical testing. Allele origin: germline. Affected: yes. Observed: 1 variant allele.
Comment: DEPDC5: BP4, BP7

PreventionGenetics, part of Exact Sciences
Classification: Likely benign for DEPDC5-related condition. Last evaluated: 2025-05-27. Review status: criteria provided, single submitter. Criteria: ACMG Guidelines, 2015. Collection method: clinical testing. Allele origin: germline.
Comment: This variant is classified as likely benign based on ACMG/AMP sequence variant interpretation guidelines (Richards et al. 2015 PMID: 25741868, with internal and published modifications).

Blueprint Genetics
Classification: Likely benign. Last evaluated: 2024-11-22. Review status: criteria provided, single submitter. Criteria: ACMG Guidelines, 2015. Collection method: clinical testing. Allele origin: germline.

GeneDx
Classification: Benign. Last evaluated: 2019-02-15. Review status: criteria provided, single submitter. Criteria: GeneDx Variant Classification Process June 2021. Collection method: clinical testing. Allele origin: germline. Affected: yes.

Athena Diagnostics
Classification: Benign. Last evaluated: 2016-11-29. Review status: criteria provided, single submitter. Criteria: Athena Diagnostics Criteria. Collection method: clinical testing. Allele origin: germline.

Ambry Genetics
Classification: Likely benign for Inborn genetic diseases. Last evaluated: 2016-10-19. Review status: criteria provided, single submitter. Criteria: Ambry Variant Classification Scheme 2023. Collection method: clinical testing. Allele origin: germline.